The following is an entry in ClinVar:

NM_018129.4(PNPO):c.340G>A (p.Glu114Lys)

Gene: PNPO (pyridoxamine 5'-phosphate oxidase; plus strand). Cytogenetic location: 17q21.32.
Variant type: single nucleotide variant.
Coding change: c.340G>A on transcript NM_018129.4 (MANE Select); coding-DNA position 340, G replaced by A.
Protein change: p.Glu114Lys; replaces glutamic acid 114 with lysine.
Molecular consequence: missense variant.
Genome position (GRCh38, 1-based): chr17:47,944,692, G>A. VCF-style: chr17-47944692-G-A. GRCh37 (hg19) VCF-style: chr17-46022058-G-A.
Other names: p.E114K:GAG>AAG; short protein forms E114K.
Identifiers: ClinVar variation 206444 (VCV000206444.6), dbSNP rs796052868, ClinGen allele CA316554.
Genomic context (GRCh38, chr17:47,944,692, plus strand): 5'-GCTCGCATGTTGCTGCTGAAGGGCTTCGGGAAAGATGGCTTCCGCTTCTTCACTAACTTC[G>A]AGAGTCGAAAAGGAAAAGAGCTGGTGGGTGAAAAGAGCTAGTAATCTTTCCCAGGGCCTG-3'
Protein context (NP_060599.1, residues 104-124): KDGFRFFTNF[Glu114Lys]SRKGKELDSN

ClinVar aggregate classification (germline): Uncertain significance. Review status: criteria provided, multiple submitters, no conflicts (2 of 4 stars). 2 submissions from 2 submitters: Uncertain significance (2). Last evaluated 2022-07-01.

Conditions:
Pyridoxal phosphate-responsive seizures (PNPOD). Also called: SEIZURES, PYRIDOXINE-RESISTANT, PLP-SENSITIVE; EPILEPTIC ENCEPHALOPATHY, NEONATAL, PNPO-RELATED; Pyridoxine-5'-phosphate oxidase deficiency; Pyridoxal 5'-Phosphate (PLP)-Dependent Epilepsy; Pyridoxamine 5-Prime-Phosphate Oxidase Deficiency. Identifiers: Orphanet 79096, MedGen C1864723, MONDO:0012407, OMIM 610090. Disease mechanism: loss of function.

Allele frequency attached by ClinVar (database versions not stated): gnomAD 0.00001; gnomAD exomes 0.00001; TOPMed 0.00002.

Submissions (2):

Labcorp Genetics (formerly Invitae), Labcorp
Classification: Uncertain significance for Pyridoxal phosphate-responsive seizures. Last evaluated: 2022-07-01. Review status: criteria provided, single submitter. Criteria: Invitae Variant Classification Sherloc (09022015). Collection method: clinical testing. Allele origin: germline.
Comment: This sequence change replaces glutamic acid, which is acidic and polar, with lysine, which is basic and polar, at codon 114 of the PNPO protein (p.Glu114Lys). This variant is present in population databases (rs796052868, gnomAD 0.007%). This variant has not been reported in the literature in individuals affected with PNPO-related conditions. ClinVar contains an entry for this variant (Variation ID: 206444). Algorithms developed to predict the effect of missense changes on protein structure and function (SIFT, PolyPhen-2, Align-GVGD) all suggest that this variant is likely to be tolerated. In summary, the available evidence is currently insufficient to determine the role of this variant in disease. Therefore, it has been classified as a Variant of Uncertain Significance.

GeneDx
Classification: Uncertain significance. Last evaluated: 2022-06-27. Review status: criteria provided, single submitter. Criteria: GeneDx Variant Classification Process June 2021. Collection method: clinical testing. Allele origin: germline. Affected: yes.
Comment: Not observed at significant frequency in large population cohorts (gnomAD); In silico analysis supports that this missense variant has a deleterious effect on protein structure/function; Has not been previously published as pathogenic or benign to our knowledge